The following is an entry in ClinVar:

NM_152564.5(VPS13B):c.2452C>T (p.Leu818Phe)

Gene: VPS13B (vacuolar protein sorting 13 homolog B; plus strand). Cytogenetic location: 8q22.2.
Variant type: single nucleotide variant.
Coding change: c.2452C>T on transcript NM_152564.5 (MANE Select); coding-DNA position 2452, C replaced by T.
Protein change: p.Leu818Phe; replaces leucine 818 with phenylalanine.
Molecular consequence: missense variant.
Genome position (GRCh38, 1-based): chr8:99,192,994, C>T. VCF-style: chr8-99192994-C-T. GRCh37 (hg19) VCF-style: chr8-100205222-C-T.
Other names: c.2452C>T (NM_017890.3); c.2452C>T, p.Leu818Phe (NM_015243.3, NM_017890.5); short protein forms L818F.
Identifiers: ClinVar variation 1479362 (VCV001479362.6), dbSNP rs2132728416, ClinGen allele CA371861710.

ClinVar aggregate classification (germline): Uncertain significance. Review status: criteria provided, multiple submitters, no conflicts (2 of 4 stars). 2 submissions from 2 submitters: Uncertain significance (2). Last evaluated 2026-02-13.

Conditions:
Cohen syndrome (COH1). Also called: PEPPER SYNDROME; Cutis verticis gyrata, retinitis pigmentosa, and sensorineural deafness. Identifiers: Orphanet 193, MedGen C0265223, MONDO:0008999, OMIM 216550.

gnomAD v4.1: 1 of 1,613,722 alleles (0.000062%); highest among the groups gnomAD compares: African/African-American, 0.0013%; no homozygotes.

Submissions (2):

GeneDx
Classification: Uncertain significance. Last evaluated: 2026-02-13. Review status: criteria provided, single submitter. Criteria: GeneDx Variant Classification Process June 2021. Collection method: clinical testing. Allele origin: germline.
Comment: Not observed at significant frequency in large population cohorts (gnomAD); In silico analysis suggests that this missense variant does not alter protein structure/function; Has not been previously published as pathogenic or benign to our knowledge

Labcorp Genetics (formerly Invitae), Labcorp
Classification: Uncertain significance for Cohen syndrome. Last evaluated: 2022-04-25. Review status: criteria provided, single submitter. Criteria: Invitae Variant Classification Sherloc (09022015). Collection method: clinical testing. Allele origin: germline.
Comment: This sequence change replaces leucine, which is neutral and non-polar, with phenylalanine, which is neutral and non-polar, at codon 818 of the VPS13B protein (p.Leu818Phe). This variant is not present in population databases (gnomAD no frequency). This variant has not been reported in the literature in individuals affected with VPS13B-related conditions. Algorithms developed to predict the effect of missense changes on protein structure and function are either unavailable or do not agree on the potential impact of this missense change (SIFT: "Not Available"; PolyPhen-2: "Benign"; Align-GVGD: "Not Available"). In summary, the available evidence is currently insufficient to determine the role of this variant in disease. Therefore, it has been classified as a Variant of Uncertain Significance.